The following is an entry in ClinVar:

NM_032447.5(FBN3):c.3191T>C (p.Met1064Thr)

Gene: FBN3 (fibrillin 3; minus strand). Cytogenetic location: 19p13.2.
Variant type: single nucleotide variant.
Coding change: c.3191T>C on transcript NM_032447.5 (MANE Select); coding-DNA position 3191, T replaced by C.
Protein change: p.Met1064Thr; replaces methionine 1064 with threonine.
Molecular consequence: missense variant.
Genome position (GRCh38, 1-based): chr19:8,121,278, A>G on the plus strand (T>C on the coding strand, the complement: FBN3 is on the minus strand). VCF-style: chr19-8121278-A-G. GRCh37 (hg19) VCF-style: chr19-8186162-A-G.
Other names: c.3191T>C, p.Met1064Thr (NM_001321431.2); short protein forms M1064T.
Identifiers: ClinVar variation 1933056 (VCV001933056.5), dbSNP rs369944279, ClinGen allele CA9152546.

ClinVar aggregate classification (germline): Uncertain significance (1 of 4 stars; one submission).

Submission:

Labcorp Genetics (formerly Invitae), Labcorp
Classification: Uncertain significance. Last evaluated: 2022-07-19. Review status: criteria provided, single submitter. Criteria: Invitae Variant Classification Sherloc (09022015). Collection method: clinical testing. Allele origin: germline.
Comment: In summary, the available evidence is currently insufficient to determine the role of this variant in disease. Therefore, it has been classified as a Variant of Uncertain Significance. Algorithms developed to predict the effect of missense changes on protein structure and function are either unavailable or do not agree on the potential impact of this missense change (SIFT: "Not Available"; PolyPhen-2: "Benign"; Align-GVGD: "Not Available"). This variant has not been reported in the literature in individuals affected with FBN3-related conditions. This variant is present in population databases (rs369944279, gnomAD 0.02%). This sequence change replaces methionine, which is neutral and non-polar, with threonine, which is neutral and polar, at codon 1064 of the FBN3 protein (p.Met1064Thr).